The following is an entry in ClinVar:

NM_000038.6(APC):c.842C>G (p.Thr281Ser)

Gene: APC (APC regulator of Wnt signaling pathway; plus strand). Cytogenetic location: 5q22.2.
Variant type: single nucleotide variant.
Coding change: c.842C>G on transcript NM_000038.6 (MANE Select); coding-DNA position 842, C replaced by G.
Protein change: p.Thr281Ser; replaces threonine 281 with serine.
Molecular consequence: missense variant. On other transcripts: 5 prime UTR variant (1).
Genome position (GRCh38, 1-based): chr5:112,815,502, C>G. VCF-style: chr5-112815502-C-G. GRCh37 (hg19) VCF-style: chr5-112151199-C-G.
Other names: c.842C>G, p.Thr281Ser (NM_001127510.3, NM_001354895.2, NM_001354896.2 and 1 more transcripts); c.788C>G, p.Thr263Ser (NM_001127511.3); c.872C>G, p.Thr291Ser (NM_001354897.2, NM_001354902.2); c.767C>G, p.Thr256Ser (NM_001354898.2, NM_001354904.2); c.758C>G, p.Thr253Ser (NM_001354899.2); c.665C>G, p.Thr222Ser (NM_001354900.2, NM_001354901.2, NM_001354905.2); c.-8C>G (NM_001354906.2); short protein forms T281S, T291S, T253S, T256S, T222S, T263S.
Identifiers: ClinVar variation 1393509 (VCV001393509.6), dbSNP rs2149762430, ClinGen allele CA16023164.

ClinVar aggregate classification (germline): Uncertain significance (1 of 4 stars; one submission).

Conditions:
Familial adenomatous polyposis 1 (FAP1). Also called: FAMILIAL ADENOMATOUS POLYPOSIS 1, ATTENUATED; POLYPOSIS, ADENOMATOUS INTESTINAL. Identifiers: MedGen C2713442, MONDO:0021056, OMIM 175100. Disease mechanism: loss of function.

Submission:

Labcorp Genetics (formerly Invitae), Labcorp
Classification: Uncertain significance for Familial adenomatous polyposis 1. Last evaluated: 2021-11-15. Review status: criteria provided, single submitter. Criteria: Invitae Variant Classification Sherloc (09022015). Collection method: clinical testing. Allele origin: germline.
Comment: In summary, the available evidence is currently insufficient to determine the role of this variant in disease. Therefore, it has been classified as a Variant of Uncertain Significance. Algorithms developed to predict the effect of missense changes on protein structure and function output the following: SIFT: "Tolerated"; PolyPhen-2: "Benign"; Align-GVGD: "Class C0". The serine amino acid residue is found in multiple mammalian species, which suggests that this missense change does not adversely affect protein function. This variant has not been reported in the literature in individuals affected with APC-related conditions. This variant is not present in population databases (gnomAD no frequency). This sequence change replaces threonine, which is neutral and polar, with serine, which is neutral and polar, at codon 281 of the APC protein (p.Thr281Ser).